The following is an entry in ClinVar:

ClinVar aggregate classification (germline): Uncertain significance (0 of 4 stars; one submission).

Conditions:
NR0B2-related disorder. Also called: NR0B2-related condition.

Submission:

PreventionGenetics, part of Exact Sciences
Classification: Uncertain significance for NR0B2-related condition. Last evaluated: 2024-07-03. Review status: no assertion criteria provided. Collection method: clinical testing. Allele origin: germline.
Comment: The NR0B2 c.692T>C variant is predicted to result in the amino acid substitution p.Leu231Pro. To our knowledge, this variant has not been reported in the literature or in a large population database, indicating this variant is rare. At this time, the clinical significance of this variant is uncertain due to the absence of conclusive functional and genetic evidence.

NM_021969.3(NR0B2):c.692T>C (p.Leu231Pro)

Genes: NR0B2 (nuclear receptor subfamily 0 group B member 2; minus strand), NUDC (nuclear distribution C, dynein complex regulator; plus strand). Cytogenetic location: 1p36.11.
Variant type: single nucleotide variant.
Coding change: c.692T>C on transcript NM_021969.3 (MANE Select); coding-DNA position 692, T replaced by C.
Protein change: p.Leu231Pro; replaces leucine 231 with proline.
Molecular consequence: missense variant.
Genome position (GRCh38, 1-based): chr1:26,911,927, A>G on the plus strand (T>C on the coding strand, the complement: NR0B2 is on the minus strand). VCF-style: chr1-26911927-A-G. GRCh37 (hg19) VCF-style: chr1-27238418-A-G.
Other names: short protein forms L231P.
Identifiers: ClinVar variation 3344975 (VCV003344975.1).